The following is an entry in ClinVar:

ClinVar aggregate classification (germline): Conflicting classifications of pathogenicity. Review status: criteria provided, conflicting classifications (1 of 4 stars). 19 submissions from 19 submitters: Uncertain significance (3); Benign (1); Likely benign (8). 7 of the submissions do not count toward it. Last evaluated 2026-03-01.

Conditions:
Hereditary cancer. Identifiers: MedGen C1333600.
Polymerase proofreading-related adenomatous polyposis. Also called: Polymerase proofreading associated polyposis; Polymerase proofreading–associated polyposis (PPAP). Identifiers: Orphanet 447877, MedGen C5202613, MONDO:0018653.
POLE-related disorder. Also called: POLE-related condition; POLE-related disorders.
Hereditary cancer-predisposing syndrome. Also called: Tumor predisposition; Hereditary Cancer Syndrome; Neoplastic Syndromes, Hereditary; Hereditary neoplastic syndrome. Identifiers: Orphanet 140162, MedGen C0027672, MeSH D009386, MONDO:0015356.

Allele frequency attached by ClinVar (database versions not stated): gnomAD 0.00051 and 0.00063; ExAC 0.00052; gnomAD exomes 0.00056 and 0.00080; TOPMed 0.00057; ESP Exome Variant Server 0.00100.
gnomAD v4.1: 1,236 of 1,613,788 alleles (0.077%); highest among the groups gnomAD compares: Non-Finnish European, 0.092%; 2 homozygotes.

Submissions (20):

CeGaT Center for Human Genetics Tuebingen
Classification: Likely benign. Last evaluated: 2026-03-01. Review status: criteria provided, single submitter. Criteria: CeGaT Center For Human Genetics Tuebingen Variant Classification Criteria Version 2. Collection method: clinical testing. Allele origin: germline. Affected: yes. Observed: 14 variant alleles.
Comment: POLE: BP4, BS1:Supporting

Labcorp Genetics (formerly Invitae), Labcorp
Classification: Likely benign. Last evaluated: 2026-02-04. Review status: criteria provided, single submitter. Criteria: Invitae Variant Classification Sherloc (09022015). Collection method: clinical testing. Allele origin: germline.

Center for Genomic Medicine, Rigshospitalet, Copenhagen University Hospital
Classification: Uncertain significance. Last evaluated: 2025-12-29. Review status: criteria provided, single submitter. Criteria: ACMG Guidelines, 2015. Collection method: clinical testing. Allele origin: germline.

Women's Health and Genetics/Laboratory Corporation of America, LabCorp
Classification: Likely benign. Last evaluated: 2025-02-02. Review status: criteria provided, single submitter. Criteria: LabCorp Variant Classification Summary - May 2015. Collection method: clinical testing. Allele origin: germline.
Comment: Variant summary: POLE c.4057A>G (p.Ser1353Gly) results in a non-conservative amino acid change in the encoded protein sequence. Three of five in-silico tools predict a benign effect of the variant on protein function. The variant allele was found at a frequency of 0.00056 in 250366 control chromosomes, predominantly at a frequency of 0.0008 within the Non-Finnish European subpopulation in the gnomAD database. The observed variant frequency within Non-Finnish European control individuals in the gnomAD database is approximately 56 fold of the estimated maximal expected allele frequency for a pathogenic variant in POLE causing Colorectal Cancer phenotype (1.4e-05). The variant, c.4057A>G, has been reported in the literature in individuals affected with polyposis and other tumor phenotypes (e.g. Mur_2020, Garmezy_2022), however without strong evidence for causality. To our knowledge, no experimental evidence demonstrating an impact on protein function has been reported. This variant is located outside of the exonuclease domain, and while missense variants that disrupt the 3'-5' exonuclease (proof-reading) activity of the POLE protein have been known to be associated with an increased risk for colonic adenomatous polyps and colon cancer, however, missense variants outside the exonuclease domain, are unlikely to be associated with polyposis or colon cancer (see e.g. PMID: 23263490, 23447401). The following publications have been ascertained in the context of this evaluation (PMID: 32792570, 35108036). ClinVar contains an entry for this variant (Variation ID: 240500). Based on the evidence outlined above, the variant was classified as likely benign.

Blueprint Genetics
Classification: Likely benign. Last evaluated: 2024-11-14. Review status: criteria provided, single submitter. Criteria: ACMG Guidelines, 2015. Collection method: clinical testing. Allele origin: germline.

Ambry Genetics
Classification: Benign for Hereditary cancer-predisposing syndrome. Last evaluated: 2024-02-28. Review status: criteria provided, single submitter. Criteria: Ambry Variant Classification Scheme 2023. Collection method: clinical testing. Allele origin: germline.

Mendelics
Classification: Likely benign for Hereditary cancer. Last evaluated: 2024-01-23. Review status: criteria provided, single submitter. Criteria: ACMG Guidelines, 2015. Collection method: clinical testing. Allele origin: unknown.

ARUP Laboratories, Molecular Genetics and Genomics, ARUP Laboratories
Classification: Uncertain significance. Last evaluated: 2023-02-07. Review status: criteria provided, single submitter. Criteria: ARUP Molecular Germline Variant Investigation Process 2024. Collection method: clinical testing. Allele origin: germline.
Comment: The POLE c.4057A>G; p.Ser1353Gly variant (rs141619382) is reported in the literature in individuals affected with cancer, but without clear disease association (Bhai 2021, Garmezy 2022, Mur 2020). This variant is also reported in ClinVar (Variation ID: 240500), and is found in the general population with an overall allele frequency of 0.06% (157/281776 alleles) in the Genome Aggregation Database. Computational analyses are uncertain whether this variant is neutral or deleterious (REVEL: 0.168). Additionally, this variant is not located in the exonuclease domain (Palles 2013), and gene-disease association has not been established for variants outside of the exonuclease domain (Seifert 2019). Due to limited information, the clinical significance of this variant is uncertain at this time. References: Bhai P et al. Analysis of Sequence and Copy Number Variants in Canadian Patient Cohort With Familial Cancer Syndromes Using a Unique Next Generation Sequencing Based Approach. Front Genet. 2021 Jul 13;12:698595. PMID: 34326862. Garmezy B et al. Clinical and Molecular Characterization of POLE Mutations as Predictive Biomarkers of Response to Immune Checkpoint Inhibitors in Advanced Cancers. JCO Precis Oncol. 2022 Feb;6:e2100267. PMID: 35108036. Mur P et al. Role of POLE and POLD1 in familial cancer. Genet Med. 2020 Dec;22(12):2089-2100. PMID: 32792570. Palles C et al. Germline mutations affecting the proofreading domains of POLE and POLD1 predispose to colorectal adenomas and carcinomas. Nat Genet. 2013 Feb;45(2):136-44. PMID: 23263490. Seifert BA et al. Determining the clinical validity of hereditary colorectal cancer and polyposis susceptibility genes using the Clinical Genome Resource Clinical Validity Framework. Genet Med. 2019 Jul;21(7):1507-1516. PMID: 30523343.

GeneDx
Classification: Likely benign. Last evaluated: 2021-06-13. Review status: criteria provided, single submitter. Criteria: GeneDx Variant Classification Process June 2021. Collection method: clinical testing. Allele origin: germline. Affected: yes.
Comment: This variant is associated with the following publications: (PMID: 22885699)

Sema4
Classification: Likely benign for Hereditary cancer-predisposing syndrome. Last evaluated: 2021-01-13. Review status: criteria provided, single submitter. Criteria: Sema4 Curation Guidelines. Collection method: curation. Allele origin: germline.

Genetic Services Laboratory, University of Chicago
Classification: Uncertain significance. Last evaluated: 2019-07-01. Review status: criteria provided, single submitter. Criteria: ACMG Guidelines, 2015. Collection method: clinical testing. Allele origin: germline. Affected: no.

Quest Diagnostics Nichols Institute San Juan Capistrano
Classification: Likely benign. Last evaluated: 2017-03-28. Review status: criteria provided, single submitter. Criteria: Quest Diagnostics criteria. Collection method: clinical testing. Allele origin: germline.

PreventionGenetics, part of Exact Sciences
Classification: Likely benign for POLE-related condition. Last evaluated: 2023-02-16. Review status: no assertion criteria provided. Collection method: clinical testing. Allele origin: germline. Not counted in ClinVar's aggregate classification.
Comment: This variant is classified as likely benign based on ACMG/AMP sequence variant interpretation guidelines (Richards et al. 2015 PMID: 25741868, with internal and published modifications).

True Health Diagnostics
Classification: Uncertain significance for Hereditary cancer-predisposing syndrome. Last evaluated: 2018-04-05. Review status: no assertion criteria provided. Collection method: clinical testing. Allele origin: germline. Not counted in ClinVar's aggregate classification.

Clinical Genetics DNA and cytogenetics Diagnostics Lab, Erasmus MC, Erasmus Medical Center
Classification: Likely benign. Review status: no assertion criteria provided. Collection method: clinical testing. Allele origin: germline. Affected: yes. Study: VKGL Data-share Consensus. Not counted in ClinVar's aggregate classification.

Clinical Genetics, Academic Medical Center
Classification: Likely benign. Review status: no assertion criteria provided. Collection method: clinical testing. Allele origin: germline. Affected: yes. Study: VKGL Data-share Consensus. Not counted in ClinVar's aggregate classification.

Department of Pathology and Laboratory Medicine, Sinai Health System
Classification: Uncertain significance for Polymerase proofreading-related adenomatous polyposis. Review status: no assertion criteria provided. Collection method: clinical testing. Allele origin: unknown. Affected: yes. Study: The Canadian Open Genetics Repository (COGR). Not counted in ClinVar's aggregate classification.
Comment: The POLE p.Ser1353Gly variant was identified in 1 of 2080 proband chromosomes (frequency: 0.0005) from an individual with advanced cancer (Mandelker 2017). The variant was identified in dbSNP (rs141619382) as â€šÃ„Ãºwith other alleleâ€šÃ„Ã¹ and ClinVar (classified as uncertain significance by Ambry Genetics, GeneDx, PreventionGenetics and 1 other submitter and likely benign by Invitae and Quest Diagnostics). The variant was identified in control databases in 159 of 276,260 chromosomes at a frequency of 0.0006 increasing the likelihood this could be a low frequency benign variant (Genome Aggregation Database Feb 27, 2017). The variant was observed in the following populations: African in 5 of 23,992 chromosomes (freq: 0.0002), Other in 4 of 6450 chromosomes (freq: 0.0006), Latino in 6 of 34,396 chromosomes (freq: 0.0002), European in 108 of 126,130 chromosomes (freq: 0.0009), Finnish in 36 of 25,534 chromosomes (freq: 0.001); it was not observed in the Ashkenazi Jewish, East Asian and South Asian populations. The p.Ser1353 residue is not conserved in mammals and four out of five computational analyses (PolyPhen-2, SIFT, AlignGVGD, BLOSUM, MutationTaster) do not suggest a high likelihood of impact to the protein; however, this information is not predictive enough to rule out pathogenicity. The variant occurs outside of the splicing consensus sequence and 2 of 4 in silico or computational prediction software programs (SpliceSiteFinder, MaxEntScan, NNSPLICE, GeneSplicer) predict a greater than 10% difference in splicing; this is not very predictive of pathogenicity. In summary, based on the above information the clinical significance of this variant cannot be determined with certainty at this time. This variant is classified as a variant of uncertain significance.

Dr. Peter K. Rogan Lab, Western University
No classification provided (evidence only). Condition: Hepatocellular carcinoma. Review status: no classification provided. Collection method: in vitro. Allele origin: not applicable. Functional consequence: retained intron. Not counted in ClinVar's aggregate classification.

Genome Diagnostics Laboratory, Amsterdam University Medical Center
Classification: Likely benign. Review status: no assertion criteria provided. Collection method: clinical testing. Allele origin: germline. Affected: yes. Study: VKGL Data-share Consensus. Not counted in ClinVar's aggregate classification.

Genome Diagnostics Laboratory, University Medical Center Utrecht
Classification: Likely benign. Review status: no assertion criteria provided. Collection method: clinical testing. Allele origin: germline. Affected: yes. Study: VKGL Data-share Consensus. Not counted in ClinVar's aggregate classification.

Literature cited by the submitters: PubMed 32792570 (cited by Women's Health and Genetics/Laboratory Corporation of America, LabCorp); PubMed 35108036 (cited by Women's Health and Genetics/Laboratory Corporation of America, LabCorp).

NM_006231.4(POLE):c.4057A>G (p.Ser1353Gly)

Gene: POLE (DNA polymerase epsilon, catalytic subunit; minus strand). Cytogenetic location: 12q24.33.
Variant type: single nucleotide variant.
Coding change: c.4057A>G on transcript NM_006231.4 (MANE Select); coding-DNA position 4057, A replaced by G.
Protein change: p.Ser1353Gly; replaces serine 1353 with glycine.
Molecular consequence: missense variant.
Genome position (GRCh38, 1-based): chr12:132,649,021, T>C on the plus strand (A>G on the coding strand, the complement: POLE is on the minus strand). VCF-style: chr12-132649021-T-C. GRCh37 (hg19) VCF-style: chr12-133225607-T-C.
Other names: short protein forms S1353G.
Identifiers: ClinVar variation 240500 (VCV000240500.82), dbSNP rs141619382, ClinGen allele CA6893009.